The following is an entry in ClinVar:

ClinVar aggregate classification (germline): Likely benign. Review status: criteria provided, multiple submitters, no conflicts (2 of 4 stars). 3 submissions from 3 submitters: Likely benign (3). Last evaluated 2026-01-25.

Allele frequency attached by ClinVar (database versions not stated): gnomAD 0.00204 and 0.00187; TOPMed 0.00229; ESP Exome Variant Server 0.00277; gnomAD exomes 0.00023 and 0.00058; ExAC 0.00079; 1000 Genomes Project 0.00120; 1000 Genomes Project 30x 0.00156.

Submissions (3):

Labcorp Genetics (formerly Invitae), Labcorp
Classification: Likely benign. Last evaluated: 2026-01-25. Review status: criteria provided, single submitter. Criteria: Invitae Variant Classification Sherloc (09022015). Collection method: clinical testing. Allele origin: germline.

Women's Health and Genetics/Laboratory Corporation of America, LabCorp
Classification: Likely benign. Last evaluated: 2025-07-07. Review status: criteria provided, single submitter. Criteria: LabCorp Variant Classification Summary - May 2015. Collection method: clinical testing. Allele origin: germline.
Comment: Variant summary: CLCF1 c.88C>T (p.Arg30Cys) results in a non-conservative amino acid change in the encoded protein sequence. Algorithms developed to predict the effect of missense changes on protein structure and function are either unavailable or do not agree on the potential impact of this missense change. The variant allele was found at a frequency of 0.00058 in 251204 control chromosomes, predominantly at a frequency of 0.0073 within the African or African-American subpopulation in the gnomAD database, including 1 homozygotes. The observed variant frequency within African or African-American control individuals in the gnomAD database is approximately 7 fold of the estimated maximal expected allele frequency for a pathogenic variant in CLCF1 causing Cold-induced sweating syndrome 2 phenotype (0.0011). To our knowledge, no occurrence of c.88C>T in individuals affected with Cold-induced sweating syndrome 2 and no experimental evidence demonstrating its impact on protein function have been reported. ClinVar contains an entry for this variant (Variation ID: 712600). Based on the evidence outlined above, the variant was classified as likely benign.

Breakthrough Genomics
Classification: Likely benign. Review status: criteria provided, single submitter. Criteria: ACMG Guidelines, 2015. Collection method: not provided. Allele origin: germline. Inheritance: Autosomal recessive inheritance. Affected: yes.

NM_013246.3(CLCF1):c.88C>T (p.Arg30Cys)

Genes: CLCF1 (cardiotrophin like cytokine factor 1; minus strand), LOC100130987 (uncharacterized LOC100130987; plus strand). Cytogenetic location: 11q13.2.
Variant type: single nucleotide variant.
Coding change: c.88C>T on transcript NM_013246.3 (MANE Select); coding-DNA position 88, C replaced by T.
Protein change: p.Arg30Cys; replaces arginine 30 with cysteine.
Molecular consequence: missense variant.
Genome position (GRCh38, 1-based): chr11:67,367,555, G>A on the plus strand (C>T on the coding strand, the complement: CLCF1 is on the minus strand). VCF-style: chr11-67367555-G-A. GRCh37 (hg19) VCF-style: chr11-67135026-G-A.
Other names: c.58C>T, p.Arg20Cys (NM_001166212.2); short protein forms R30C, R20C.
Identifiers: ClinVar variation 712600 (VCV000712600.7), dbSNP rs76168219, ClinGen allele CA6136191.